The following is an entry in ClinVar:

NM_001999.4(FBN2):c.5675-12_5675-11insG

Gene: FBN2 (fibrillin 2; minus strand). Cytogenetic location: 5q23.3.
Variant type: Insertion.
Coding change: c.5675-12_5675-11insG on transcript NM_001999.4 (MANE Select); 12 bases into the intron before coding-DNA position 5675 through 11 bases into the intron before coding-DNA position 5675, G inserted.
Molecular consequence: intron variant.
Genome position: GRCh38 VCF-style: chr5-128305093-A-AC. GRCh37 (hg19) VCF-style: chr5-127640785-A-AC.
Identifiers: ClinVar variation 421542 (VCV000421542.10), dbSNP rs150372632, ClinGen allele CA3394626.

ClinVar aggregate classification (germline): Benign/Likely benign. Review status: criteria provided, multiple submitters, no conflicts (2 of 4 stars). 3 submissions from 3 submitters: Benign (2); Likely benign (1). Last evaluated 2026-01-11.

Conditions:
Congenital contractural arachnodactyly (CCA). Also called: Arthrogryposis, distal, type 9; BEALS SYNDROME; Beals-Hecht syndrome. Identifiers: Orphanet 115, MedGen C0220668, MONDO:0007363, OMIM 121050.

Allele frequency attached by ClinVar (database versions not stated): gnomAD exomes 0.00009 and 0.00040; ExAC 0.00065; gnomAD 0.00129 and 0.00133; ESP Exome Variant Server 0.00152; TOPMed 0.00160; 1000 Genomes Project 0.00180; 1000 Genomes Project 30x 0.00250.

Submissions (3):

Labcorp Genetics (formerly Invitae), Labcorp
Classification: Benign for Congenital contractural arachnodactyly. Last evaluated: 2026-01-11. Review status: criteria provided, single submitter. Criteria: Invitae Variant Classification Sherloc (09022015). Collection method: clinical testing. Allele origin: germline.

Women's Health and Genetics/Laboratory Corporation of America, LabCorp
Classification: Benign. Last evaluated: 2023-08-10. Review status: criteria provided, single submitter. Criteria: LabCorp Variant Classification Summary - May 2015. Collection method: clinical testing. Allele origin: germline.

GeneDx
Classification: Likely benign. Last evaluated: 2017-08-22. Review status: criteria provided, single submitter. Criteria: GeneDx Variant Classification (06012015). Collection method: clinical testing. Allele origin: germline. Affected: yes.
Comment: This variant is considered likely benign or benign based on one or more of the following criteria: it is a conservative change, it occurs at a poorly conserved position in the protein, it is predicted to be benign by multiple in silico algorithms, and/or has population frequency not consistent with disease.